The following is an entry in ClinVar:

NM_000264.5(PTCH1):c.3945del (p.Tyr1316fs)

Gene: PTCH1 (patched 1; minus strand). Cytogenetic location: 9q22.32.
Variant type: Deletion.
Coding change: c.3945del on transcript NM_000264.5 (MANE Select); coding-DNA position 3945, one base deleted (C; older notation c.3945delC).
Protein change: p.Tyr1316fs; shifts the reading frame from tyrosine 1316.
Molecular consequence: frameshift variant. On other transcripts: non-coding transcript variant (1).
Genome position (GRCh38, 1-based): chr9:95,447,311, G deleted on the plus strand (C on the coding strand, the reverse complement: PTCH1 is on the minus strand); the first of 6 consecutive G bases (chr9:95,447,311-95,447,316); deleting any one gives the same sequence. VCF-style (leftmost placement, unchanged base first): chr9-95447310-AG-A. GRCh37 (hg19) VCF-style: chr9-98209592-AG-A.
Other names: c.3940delC, p.Tyr1316Thrfs (NM_000264.3); c.3747del, p.Tyr1250fs (NM_001083602.3); c.3942del, p.Tyr1315fs (NM_001083603.3); c.3492del, p.Tyr1165fs (NM_001083604.3, NM_001083605.3, NM_001083606.3 and 1 more transcripts); c.3789del, p.Tyr1264fs (NM_001354918.2); short protein forms Y1165fs, Y1250fs, Y1264fs, Y1315fs, Y1316fs.
Identifiers: ClinVar variation 2503342 (VCV002503342.5), dbSNP rs1838031568, ClinGen allele CA466351621.

ClinVar aggregate classification (germline): Conflicting classifications of pathogenicity. Review status: criteria provided, conflicting classifications (1 of 4 stars). 3 submissions from 3 submitters: Pathogenic (1); Uncertain significance (2). Last evaluated 2025-01-20.

Conditions:
Gorlin syndrome. Also called: Nevoid Basal Cell Carcinoma Syndrome; Basal cell nevus syndrome. Identifiers: Orphanet 377, MedGen C0004779, MONDO:0007187.
Turner syndrome (MX). Also called: Ullrich-Turner syndrome; Turner's syndrome. Identifiers: Orphanet 881, MedGen C0041408, MONDO:0019499.

Submissions (3):

Labcorp Genetics (formerly Invitae), Labcorp
Classification: Uncertain significance for Gorlin syndrome. Last evaluated: 2025-01-20. Review status: criteria provided, single submitter. Criteria: Invitae Variant Classification Sherloc (09022015). Collection method: clinical testing. Allele origin: germline.
Comment: This sequence change creates a premature translational stop signal (p.Tyr1316Thrfs*56) in the PTCH1 gene. While this is not anticipated to result in nonsense mediated decay, it is expected to disrupt the last 132 amino acid(s) of the PTCH1 protein. This variant is not present in population databases (gnomAD no frequency). This variant has not been reported in the literature in individuals affected with PTCH1-related conditions. ClinVar contains an entry for this variant (Variation ID: 2503342). Experimental studies and prediction algorithms are not available or were not evaluated, and the functional significance of this variant is currently unknown. In summary, the available evidence is currently insufficient to determine the role of this variant in disease. Therefore, it has been classified as a Variant of Uncertain Significance.

GeneDx
Classification: Uncertain significance. Last evaluated: 2022-11-25. Review status: criteria provided, single submitter. Criteria: GeneDx Variant Classification Process June 2021. Collection method: clinical testing. Allele origin: germline. Affected: yes.
Comment: Not observed at significant frequency in large population cohorts (gnomAD); Frameshift variant predicted to result in protein truncation as the last 132 amino acids are replaced with 55 different amino acids, although loss-of-function variants have not been reported downstream of this position in the protein; Has not been previously reported as pathogenic or benign in association with neurodevelopmental disorders to our knowledge; This variant is associated with the following publications: (PMID: 33082750)

DBGen Ocular Genomics
Classification: Pathogenic for Turner syndrome. Last evaluated: 2021-01-01. Review status: criteria provided, single submitter. Criteria: ACMG Guidelines, 2015. Collection method: clinical testing. Allele origin: unknown. Inheritance: Autosomal dominant inheritance. Affected: yes.
Comment: Class 5 ACMG Guidelines, 2015 (PMID:25741868)